The following is an entry in ClinVar:

NM_006950.3(SYN1):c.1682dup (p.Gln562fs)

Gene: SYN1 (synapsin I; minus strand). Cytogenetic location: Xp11.3.
Variant type: Duplication.
Coding change: c.1682dup on transcript NM_006950.3 (MANE Select); coding-DNA position 1682, one base duplicated (C; older notation c.1682dupC).
Protein change: p.Gln562fs; shifts the reading frame from glutamine 562.
Molecular consequence: frameshift variant.
Genome position (GRCh38, 1-based): chrX:47,574,302, G duplicated on the plus strand (C on the coding strand, the reverse complement: SYN1 is on the minus strand); the first of 6 consecutive G bases (chrX:47,574,302-47,574,307); duplicating any one gives the same sequence. VCF-style (leftmost placement, unchanged base first): chrX-47574301-T-TG. GRCh37 (hg19) VCF-style: chrX-47433700-T-TG.
Other names: c.1682dup, p.Gln562fs (NM_133499.2); short protein forms Q562fs.
Identifiers: ClinVar variation 1451507 (VCV001451507.8), dbSNP rs2147912165, ClinGen allele CA641900875.

ClinVar aggregate classification (germline): Pathogenic (1 of 4 stars; one submission).

Conditions:
Epilepsy, X-linked 1, with variable learning disabilities and behavior disorders. Also called: X-linked epilepsy-learning disabilities-behavior disorders syndrome. Identifiers: Orphanet 85294, MedGen C5774177, MONDO:0010339, OMIM 300491.

Submission:

Labcorp Genetics (formerly Invitae), Labcorp
Classification: Pathogenic for Epilepsy, X-linked 1, with variable learning disabilities and behavior disorders. Last evaluated: 2021-05-08. Review status: criteria provided, single submitter. Criteria: Invitae Variant Classification Sherloc (09022015). Collection method: clinical testing. Allele origin: germline.
Comment: This sequence change results in a frameshift in the SYN1 gene (p.Gln562Thrfs*114). While this is not anticipated to result in nonsense mediated decay, it is expected to disrupt the last 108 amino acid(s) of the SYN1 protein and extend the protein by 5 additional amino acid residues. The frequency data for this variant in the population databases is considered unreliable, as metrics indicate insufficient coverage at this position in the ExAC database. This variant has not been reported in the literature in individuals with SYN1-related conditions. This variant results in an extension of the SYN1 protein. Other variant(s) that result in a similarly extended protein product (p.Ala650Argfs*28) have been determined to be pathogenic (Invitae). This suggests that these extensions are likely to be causative of disease. For these reasons, this variant has been classified as Pathogenic.